The following is an entry in ClinVar:

NM_001077418.3(TMEM231):c.3_4insAGCTCTATGAGCTCATG (p.Ala2fs)

Gene: TMEM231 (transmembrane protein 231; minus strand). Cytogenetic location: 16q23.1.
Variant type: Insertion.
Coding change: c.3_4insAGCTCTATGAGCTCATG on transcript NM_001077418.3 (MANE Select); coding-DNA positions 3 to 4, AGCTCTATGAGCTCATG inserted.
Protein change: p.Ala2fs; shifts the reading frame from alanine 2.
Molecular consequence: frameshift variant, initiator codon variant. On other transcripts: nonsense (1), non-coding transcript variant (1).
Genome position: GRCh38 VCF-style: chr16-75556206-C-CCATGAGCTCATAGAGCT. GRCh37 (hg19) VCF-style: chr16-75590104-C-CCATGAGCTCATAGAGCT.
Other names: c.65_66insAGCTCTATGAGCTCATG, p.Trp22Ter (NM_001077416.2); short protein forms W22*, A2fs.
Identifiers: ClinVar variation 2921947 (VCV002921947.3), dbSNP rs1363632615, ClinGen allele CA723931691.

ClinVar aggregate classification (germline): Pathogenic (1 of 4 stars; one submission).

Conditions:
Joubert syndrome 20 (JBTS20). Identifiers: Orphanet 475, MedGen C3554235, MONDO:0013994, OMIM 614970.
Meckel syndrome, type 11 (MKS11). Identifiers: Orphanet 564, MedGen C3809352, MONDO:0014164, OMIM 615397.

Submission:

Labcorp Genetics (formerly Invitae), Labcorp
Classification: Pathogenic for Joubert syndrome 20; Meckel syndrome, type 11. Last evaluated: 2023-06-26. Review status: criteria provided, single submitter. Criteria: Invitae Variant Classification Sherloc (09022015). Collection method: clinical testing. Allele origin: germline.
Comment: For these reasons, this variant has been classified as Pathogenic. This variant has not been reported in the literature in individuals affected with TMEM231-related conditions. This variant is not present in population databases (gnomAD no frequency). This sequence change creates a premature translational stop signal (p.Trp22*) in the TMEM231 gene. It is expected to result in an absent or disrupted protein product. Loss-of-function variants in TMEM231 are known to be pathogenic (PMID: 23012439, 23349226).

Literature cited by the submitters: PubMed 23012439; PubMed 23349226.